The following is an entry in ClinVar:

NM_001365088.1(SLC12A6):c.468C>A (p.Tyr156Ter)

Gene: SLC12A6 (solute carrier family 12 member 6; minus strand). Cytogenetic location: 15q14.
Variant type: single nucleotide variant.
Coding change: c.468C>A on transcript NM_001365088.1 (MANE Select); coding-DNA position 468, C replaced by A.
Protein change: p.Tyr156Ter; replaces tyrosine 156 with a stop codon.
Molecular consequence: nonsense.
Genome position (GRCh38, 1-based): chr15:34,258,888, G>T on the plus strand (C>A on the coding strand, the complement: SLC12A6 is on the minus strand). VCF-style: chr15-34258888-G-T. GRCh37 (hg19) VCF-style: chr15-34551089-G-T.
Other names: c.291C>A, p.Tyr97Ter (NM_001042494.2, NM_001042495.2); c.441C>A, p.Tyr147Ter (NM_001042496.2); c.423C>A, p.Tyr141Ter (NM_001042497.2); c.315C>A, p.Tyr105Ter (NM_005135.2); c.468C>A, p.Tyr156Ter (NM_133647.2); short protein forms Y105*, Y141*, Y147*, Y156*, Y97*.
Identifiers: ClinVar variation 5015556 (VCV005015556.1).
Genomic context (GRCh38, chr15:34,258,888, plus strand): 5'-TTTCCCTTCAGTGATGTTTTCTGCCTCTTCATGTTCCTTTGCTCCTTGAGTCAGATTAGT[G>T]TAATTGGCCATGCGGTTGAGGAGGGAAGACACCTTCGGTCTGGTGTCCATTTCTTCCTAT-3'

ClinVar aggregate classification (germline): Pathogenic (1 of 4 stars; one submission).

Conditions:
Agenesis of the corpus callosum with peripheral neuropathy (ACCPN). Also called: CHARLEVOIX DISEASE; POLYNEUROPATHY, SENSORIMOTOR, WITH OR WITHOUT AGENESIS OF THE CORPUS CALLOSUM; HMSN/ACC; Hereditary Motor and Sensory Neuropathy with Agenesis of the Corpus Callosum. Identifiers: Orphanet 1496, MedGen C0795950, MONDO:0000902, OMIM 218000. Disease mechanism: loss of function.

Submission:

Myriad Genetics, Inc.
Classification: Pathogenic for Agenesis of the corpus callosum with peripheral neuropathy. Last evaluated: 2026-02-15. Review status: criteria provided, single submitter. Criteria: Myriad Autosomal Dominant, Autosomal Recessive and X-Linked Classification Criteria (2023). Collection method: clinical testing. Allele origin: unknown.
Comment: NM_133647.1(SLC12A6):c.468C>A(Y156*) is expected to be pathogenic in the context of Andermann syndrome. This variant is predicted to lead to an abnormal or absent protein product due to the creation of a premature termination codon in SLC12A6, a gene where loss-of-function variants are known to be pathogenic. Please note: this variant was assessed in the context of healthy population screening.